The following is an entry in ClinVar:

NM_005458.8(GABBR2):c.916A>T (p.Asn306Tyr)

Gene: GABBR2 (gamma-aminobutyric acid type B receptor subunit 2; minus strand). Cytogenetic location: 9q22.33.
Variant type: single nucleotide variant.
Coding change: c.916A>T on transcript NM_005458.8 (MANE Select); coding-DNA position 916, A replaced by T.
Protein change: p.Asn306Tyr; replaces asparagine 306 with tyrosine.
Molecular consequence: missense variant.
Genome position (GRCh38, 1-based): chr9:98,473,229, T>A on the plus strand (A>T on the coding strand, the complement: GABBR2 is on the minus strand). VCF-style: chr9-98473229-T-A. GRCh37 (hg19) VCF-style: chr9-101235511-T-A.
Other names: short protein forms N306Y.
Identifiers: ClinVar variation 1719984 (VCV001719984.5), dbSNP rs763430533, ClinGen allele CA5152851.
Genomic context (GRCh38, chr9:98,473,229, plus strand): 5'-GCTTGGAGCTCAGGGGCTCGAAATCCACGCCAATGTAGCCCTCCATGGCAGCAAGCAGAT[T>A]CTTCCGGAGGCAGCGGGATGAGTTGGCTTCCGTGTGCACCTGCTCCCACCAAGAAGGCTC-3'
Protein context (NP_005449.5, residues 296-316): EANSSRCLRK[Asn306Tyr]LLAAMEGYIG

ClinVar aggregate classification (germline): Uncertain significance (1 of 4 stars; one submission).

Conditions:
Epileptic encephalopathy. Identifiers: MedGen C0543888, HP:0200134.

Allele frequency attached by ClinVar (database versions not stated): gnomAD 0.00001; ExAC 0.00002; gnomAD exomes 0.00002.
gnomAD v4.1: 13 of 1,613,740 alleles (0.00081%); highest among the groups gnomAD compares: South Asian, 0.014%; no homozygotes.

Submission:

Labcorp Genetics (formerly Invitae), Labcorp
Classification: Uncertain significance for Epileptic encephalopathy. Last evaluated: 2024-08-06. Review status: criteria provided, single submitter. Criteria: Invitae Variant Classification Sherloc (09022015). Collection method: clinical testing. Allele origin: germline.
Comment: This sequence change replaces asparagine, which is neutral and polar, with tyrosine, which is neutral and polar, at codon 306 of the GABBR2 protein (p.Asn306Tyr). This variant is present in population databases (rs763430533, gnomAD 0.02%). This variant has not been reported in the literature in individuals affected with GABBR2-related conditions. ClinVar contains an entry for this variant (Variation ID: 1719984). Advanced modeling of protein sequence and biophysical properties (such as structural, functional, and spatial information, amino acid conservation, physicochemical variation, residue mobility, and thermodynamic stability) performed at Invitae indicates that this missense variant is expected to disrupt GABBR2 protein function with a positive predictive value of 80%. In summary, the available evidence is currently insufficient to determine the role of this variant in disease. Therefore, it has been classified as a Variant of Uncertain Significance.